The following is an entry in ClinVar:

ClinVar aggregate classification (germline): Uncertain significance (1 of 4 stars; one submission).

Conditions:
Primary ciliary dyskinesia 6. Also called: Primary Ciliary Dyskinesia 6: TXNDC3-Related Primary Ciliary Dyskinesia. Identifiers: Orphanet 244, MedGen C1970506, MONDO:0012571, OMIM 610852.

Submission:

Labcorp Genetics (formerly Invitae), Labcorp
Classification: Uncertain significance for Primary ciliary dyskinesia 6. Last evaluated: 2022-09-09. Review status: criteria provided, single submitter. Criteria: Invitae Variant Classification Sherloc (09022015). Collection method: clinical testing. Allele origin: germline.
Comment: In summary, the available evidence is currently insufficient to determine the role of this variant in disease. Therefore, it has been classified as a Variant of Uncertain Significance. Algorithms developed to predict the effect of missense changes on protein structure and function (SIFT, PolyPhen-2, Align-GVGD) all suggest that this variant is likely to be tolerated. This variant has not been reported in the literature in individuals affected with NME8-related conditions. This variant is not present in population databases (gnomAD no frequency). This sequence change replaces asparagine, which is neutral and polar, with aspartic acid, which is acidic and polar, at codon 107 of the NME8 protein (p.Asn107Asp).

NM_016616.5(NME8):c.319A>G (p.Asn107Asp)

Gene: NME8 (NME/NM23 family member 8; plus strand). Cytogenetic location: 7p14.1.
Variant type: single nucleotide variant.
Coding change: c.319A>G on transcript NM_016616.5 (MANE Select); coding-DNA position 319, A replaced by G.
Protein change: p.Asn107Asp; replaces asparagine 107 with aspartic acid.
Molecular consequence: missense variant.
Genome position (GRCh38, 1-based): chr7:37,862,076, A>G. VCF-style: chr7-37862076-A-G. GRCh37 (hg19) VCF-style: chr7-37901678-A-G.
Other names: short protein forms N107D.
Identifiers: ClinVar variation 1719099 (VCV001719099.5), dbSNP rs2483621457, ClinGen allele CA367221197.